The following is an entry in ClinVar:

ClinVar aggregate classification (germline): Uncertain significance (1 of 4 stars; one submission).

Conditions:
Primary ciliary dyskinesia 33. Also called: CILIARY DYSKINESIA, PRIMARY, 33, WITHOUT SITUS INVERSUS. Identifiers: Orphanet 244, MedGen C4225230, MONDO:0014750, OMIM 616726.

Allele frequency attached by ClinVar (database versions not stated): ExAC 0.00001; gnomAD exomes below 0.00001; TOPMed below 0.00001; gnomAD 0.00001.
gnomAD v4.1: 18 of 1,613,854 alleles (0.0011%); highest among the groups gnomAD compares: South Asian, 0.0033%; no homozygotes.

Submission:

Labcorp Genetics (formerly Invitae), Labcorp
Classification: Uncertain significance for Primary ciliary dyskinesia 33. Last evaluated: 2022-09-06. Review status: criteria provided, single submitter. Criteria: Invitae Variant Classification Sherloc (09022015). Collection method: clinical testing. Allele origin: germline.
Comment: Algorithms developed to predict the effect of missense changes on protein structure and function (SIFT, PolyPhen-2, Align-GVGD) all suggest that this variant is likely to be disruptive. ClinVar contains an entry for this variant (Variation ID: 955482). This missense change has been observed in individual(s) with clinical features of GAS8-related conditions (Invitae). This variant is present in population databases (rs753171620, gnomAD 0.005%). This sequence change replaces glutamic acid, which is acidic and polar, with lysine, which is basic and polar, at codon 210 of the GAS8 protein (p.Glu210Lys). In summary, the available evidence is currently insufficient to determine the role of this variant in disease. Therefore, it has been classified as a Variant of Uncertain Significance.

NM_001481.3(DRC4):c.628G>A (p.Glu210Lys)

Gene: DRC4 (dynein regulatory complex subunit 4; plus strand). Cytogenetic location: 16q24.3.
Variant type: single nucleotide variant.
Coding change: c.628G>A on transcript NM_001481.3 (MANE Select); coding-DNA position 628, G replaced by A.
Protein change: p.Glu210Lys; replaces glutamic acid 210 with lysine.
Molecular consequence: missense variant.
Genome position (GRCh38, 1-based): chr16:90,036,458, G>A. VCF-style: chr16-90036458-G-A. GRCh37 (hg19) VCF-style: chr16-90102866-G-A.
Other names: c.379G>A, p.Glu127Lys (NM_001286205.2); c.52G>A, p.Glu18Lys (NM_001286208.2); c.553G>A, p.Glu185Lys (NM_001286209.2); short protein forms E210K, E18K, E127K, E185K.
Identifiers: ClinVar variation 955482 (VCV000955482.9), dbSNP rs753171620, ClinGen allele CA8257901.